The following is an entry in ClinVar:

NM_001385012.1(NBEA):c.972+1G>T

Gene: NBEA (neurobeachin; plus strand). Cytogenetic location: 13q13.3.
Variant type: single nucleotide variant.
Coding change: c.972+1G>T on transcript NM_001385012.1 (MANE Select); the canonical splice donor site of the intron after coding-DNA position 972, G replaced by T.
Molecular consequence: splice donor variant.
Genome position (GRCh38, 1-based): chr13:35,050,396, G>T. VCF-style: chr13-35050396-G-T. GRCh37 (hg19) VCF-style: chr13-35624533-G-T.
Other names: c.972+1G>T (NM_015678.5, NM_001379245.1).
Identifiers: ClinVar variation 4535041 (VCV004535041.6).

ClinVar aggregate classification (germline): Pathogenic (1 of 4 stars; one submission).

Submission:

CeGaT Center for Human Genetics Tuebingen
Classification: Pathogenic. Last evaluated: 2025-10-01. Review status: criteria provided, single submitter. Criteria: CeGaT Center For Human Genetics Tuebingen Variant Classification Criteria Version 2. Collection method: clinical testing. Allele origin: germline. Affected: yes. Observed: 1 variant allele.
Comment: NBEA: PVS1, PM2